The following is an entry in ClinVar:

ClinVar aggregate classification (germline): Uncertain significance (1 of 4 stars; one submission).

Allele frequency attached by ClinVar (database versions not stated): ExAC 0.00001; gnomAD 0.00001; gnomAD exomes 0.00001.
gnomAD v4.1: 5 of 1,613,842 alleles (0.00031%); highest among the groups gnomAD compares: Middle Eastern, 0.016%; no homozygotes.

Submission:

Labcorp Genetics (formerly Invitae), Labcorp
Classification: Uncertain significance. Last evaluated: 2022-08-10. Review status: criteria provided, single submitter. Criteria: Invitae Variant Classification Sherloc (09022015). Collection method: clinical testing. Allele origin: germline.
Comment: In summary, the available evidence is currently insufficient to determine the role of this variant in disease. Therefore, it has been classified as a Variant of Uncertain Significance. Advanced modeling of protein sequence and biophysical properties (such as structural, functional, and spatial information, amino acid conservation, physicochemical variation, residue mobility, and thermodynamic stability) performed at Invitae indicates that this missense variant is not expected to disrupt COL9A1 protein function. This variant has not been reported in the literature in individuals affected with COL9A1-related conditions. This variant is present in population databases (rs765561791, gnomAD 0.0009%). This sequence change replaces valine, which is neutral and non-polar, with alanine, which is neutral and non-polar, at codon 477 of the COL9A1 protein (p.Val477Ala).

NM_001851.6(COL9A1):c.1430T>C (p.Val477Ala)

Gene: COL9A1 (collagen type IX alpha 1 chain; minus strand). Cytogenetic location: 6q13.
Variant type: single nucleotide variant.
Coding change: c.1430T>C on transcript NM_001851.6 (MANE Select); coding-DNA position 1430, T replaced by C.
Protein change: p.Val477Ala; replaces valine 477 with alanine.
Molecular consequence: missense variant. On other transcripts: non-coding transcript variant (1).
Genome position (GRCh38, 1-based): chr6:70,260,676, A>G on the plus strand (T>C on the coding strand, the complement: COL9A1 is on the minus strand). VCF-style: chr6-70260676-A-G. GRCh37 (hg19) VCF-style: chr6-70970379-A-G.
Other names: c.701T>C, p.Val234Ala (NM_001377289.1, NM_001377290.1, NM_078485.4); short protein forms V477A, V234A.
Identifiers: ClinVar variation 1925567 (VCV001925567.5), dbSNP rs765561791, ClinGen allele CA3882217.
Genomic context (GRCh38, chr6:70,260,676, plus strand): 5'-TAACACATTTTGGTATTATATTATTGTCATCACCATCTTACTTTTTCCCCTTTGTCCCCA[A>G]CTATGCCGGTGATGCCTCGCAAACCCTGGGCTCCCTGGAAATGTGAAAAAGAGAAGTGAA-3'
Protein context (NP_001842.3, residues 467-487): AQGLRGITGI[Val477Ala]GDKGEKGARG